The following is an entry in ClinVar:

NM_001110556.2(FLNA):c.4754C>T (p.Thr1585Met)

Gene: FLNA (filamin A; minus strand). Cytogenetic location: Xq28.
Variant type: single nucleotide variant.
Coding change: c.4754C>T on transcript NM_001110556.2 (MANE Select); coding-DNA position 4754, C replaced by T.
Protein change: p.Thr1585Met; replaces threonine 1585 with methionine.
Molecular consequence: missense variant.
Genome position (GRCh38, 1-based): chrX:154,358,200, G>A on the plus strand (C>T on the coding strand, the complement: FLNA is on the minus strand). VCF-style: chrX-154358200-G-A. GRCh37 (hg19) VCF-style: chrX-153586568-G-A.
Other names: p.Thr1585Met; c.4754C>T, p.Thr1585Met (NM_001456.4); short protein forms T1585M.
Identifiers: ClinVar variation 1305535 (VCV001305535.8), dbSNP rs2067677205, ClinGen allele CA415214491.

ClinVar aggregate classification (germline): Conflicting classifications of pathogenicity. Review status: criteria provided, conflicting classifications (1 of 4 stars). 3 submissions from 3 submitters: Uncertain significance (2); Likely benign (1). Last evaluated 2025-10-16.

Conditions:
Melnick-Needles syndrome (MNS). Also called: MELNICK-NEEDLES OSTEODYSPLASTY; OSTEODYSPLASTY OF MELNICK AND NEEDLES; Melnick-Needles Syndrome (FLNA-MNS). Identifiers: Orphanet 2484, MedGen C0025237, MONDO:0010650, OMIM 309350.
Frontometaphyseal dysplasia (FMD1). Identifiers: MONDO:0015942, Orphanet 1826, MedGen C0265293.
Oto-palato-digital syndrome, type II (OPD2). Also called: Otopalatodigital Syndrome, Type II; FACIOPALATOOSSEOUS SYNDROME; OPD II SYNDROME; Otopalatodigital Syndrome Type 2 (FLNA-OPD2). Identifiers: Orphanet 669, Orphanet 90652, MedGen C1844696, MONDO:0010571, OMIM 304120.
Heterotopia, periventricular, X-linked dominant (PVNH1). Also called: X-linked periventricular heterotopia; PERIVENTRICULAR NODULAR HETEROTOPIA 4; HETEROTOPIA, PERIVENTRICULAR, 1; PERIVENTRICULAR NODULAR HETEROTOPIA 1. Identifiers: Orphanet 2149, Orphanet 82004, MedGen C1848213, MONDO:0010233, OMIM 300049.

Allele frequency attached by ClinVar (database versions not stated): TOPMed below 0.00001; gnomAD exomes 0.00001.

Submissions (3):

Labcorp Genetics (formerly Invitae), Labcorp
Classification: Uncertain significance for Oto-palato-digital syndrome, type II; Heterotopia, periventricular, X-linked dominant; Frontometaphyseal dysplasia; Melnick-Needles syndrome. Last evaluated: 2025-10-16. Review status: criteria provided, single submitter. Criteria: Invitae Variant Classification Sherloc (09022015). Collection method: clinical testing. Allele origin: germline.
Comment: This sequence change replaces threonine, which is neutral and polar, with methionine, which is neutral and non-polar, at codon 1585 of the FLNA protein (p.Thr1585Met). This variant is not present in population databases (gnomAD no frequency). This variant has not been reported in the literature in individuals affected with FLNA-related conditions. ClinVar contains an entry for this variant (Variation ID: 1305535). An algorithm developed to predict the effect of missense changes on protein structure and function (PolyPhen-2) suggests that this variant is likely to be disruptive. In summary, the available evidence is currently insufficient to determine the role of this variant in disease. Therefore, it has been classified as a Variant of Uncertain Significance.

Mayo Clinic Laboratories, Mayo Clinic
Classification: Likely benign. Last evaluated: 2024-11-22. Review status: criteria provided, single submitter. Criteria: ACMG Guidelines, 2015. Collection method: clinical testing. Allele origin: germline. Observed: 1 variant allele.
Comment: BS2, PP2, PM1_supporting

GeneDx
Classification: Uncertain significance. Last evaluated: 2019-04-25. Review status: criteria provided, single submitter. Criteria: GeneDx Variant Classification Process June 2021. Collection method: clinical testing. Allele origin: germline. Affected: yes.
Comment: In silico analysis, which includes protein predictors and evolutionary conservation, supports a deleterious effect; Has not been previously published as pathogenic or benign to our knowledge